The following is an entry in ClinVar:

NM_000518.5(HBB):c.-50A>C

Genes: HBB (hemoglobin subunit beta; minus strand), LOC106099062 (HBB recombination region; plus strand), LOC107133510 (origin of replication at HBB; plus strand). Cytogenetic location: 11p15.4.
Variant type: single nucleotide variant.
Coding change: c.-50A>C on transcript NM_000518.5 (MANE Select); 50 bases upstream of the start codon, A replaced by C.
Molecular consequence: 5 prime UTR variant.
Genome position (GRCh38, 1-based): chr11:5,227,071, T>G on the plus strand (A>C on the coding strand, the complement: HBB is on the minus strand). VCF-style: chr11-5227071-T-G. GRCh37 (hg19) VCF-style: chr11-5248301-T-G.
Other names: +1'A>C; HBB, CAP, A-C; CAP, A-C.
Identifiers: ClinVar variation 36292 (VCV000036292.111), dbSNP rs34305195, ClinGen allele CA342845.

ClinVar aggregate classification (germline): Pathogenic/Likely pathogenic. Review status: criteria provided, multiple submitters, no conflicts (2 of 4 stars). 9 submissions from 9 submitters: Pathogenic (5); Likely pathogenic (1). 3 of the submissions do not count toward it. Last evaluated 2025-10-16.

Conditions:
Hb SS disease (SCD). Also called: Hemoglobin SS; Sickle cell anemia; Sickle cell disease; HbS disease; Hemoglobin S Disease; Sickling disorder due to hemoglobin S. Identifiers: Orphanet 232, Orphanet 275752, MedGen C0002895, MONDO:0011382, OMIM 603903.
Heinz body anemia. Also called: Heinz body hemolytic anemia. Identifiers: Orphanet 178330, MedGen C0700299, MONDO:0007705, OMIM 140700, HP:0005511.
Dominant beta-thalassemia. Also called: Beta-thalassemia, dominant inclusion body type. Identifiers: Orphanet 231226, Orphanet 848, MedGen C1858990, MONDO:0011381, OMIM 603902.
Beta-thalassemia HBB/LCRB. Identifiers: MedGen CN322236, MONDO:0013517, OMIM 613985.
Erythrocytosis, familial, 6. Also called: POLYCYTHEMIA, BETA-GLOBIN TYPE; ERYTHROCYTOSIS, BETA-GLOBIN TYPE. Identifiers: MedGen C4693822, MONDO:0054801, OMIM 617980.
METHEMOGLOBINEMIA, BETA TYPE. Also called: Methemoglobinemia, beta-globin type. Identifiers: MedGen C1840779, OMIM 617971.
Malaria, susceptibility to. Identifiers: Orphanet 673, MedGen C1970028, MONDO:0021024, OMIM 611162.
Hereditary persistence of fetal hemoglobin. Identifiers: MedGen C0019025, MONDO:0020989, OMIM 141749.
BETA-PLUS-THALASSEMIA. Identifiers: MedGen C3841475.
beta Thalassemia (BTHAL). Also called: Cooley's anemia; Erythroblastic anemia; Mediterranean anemia. Identifiers: Orphanet 848, MedGen C0005283, MONDO:0019402. Disease mechanism: loss of function.

Allele frequency attached by ClinVar (database versions not stated): gnomAD below 0.00001 and 0.00001; gnomAD exomes 0.00010; ExAC 0.00010.
gnomAD v4.1: 81 of 1,232,076 alleles (0.0066%); highest among the groups gnomAD compares: South Asian, 0.096%; 1 homozygote.

Submissions (9):

Quest Diagnostics Nichols Institute San Juan Capistrano
Classification: Pathogenic. Last evaluated: 2025-10-16. Review status: criteria provided, single submitter. Criteria: Quest Diagnostics criteria. Collection method: clinical testing. Allele origin: unknown.
Comment: The HBB c.-50A>C (also known as CAP +1 A>C) variant occurs at the transcription start site and causes decreased transcription of the beta-globin gene. This variant has been reported in the published literature in individuals affected with beta (+)-thalassemia or thalassemia intermedia (HbVar and PMIDs: 3683554 (1987), 22335963 (2012), 27263053 (2016), 32722952 (2020), 33491330 (2021), 34794358 (2021)). The frequency of this variant in the general population (Genome Aggregation Database) is consistent with pathogenicity. Based on the available information, this variant is classified as pathogenic.

Natera, Inc.
Classification: Pathogenic for Beta thalassemia. Last evaluated: 2025-06-23. Review status: criteria provided, single submitter. Criteria: Natera Variant Classification Schema (03/2026). Collection method: clinical testing. Allele origin: germline.
Comment: The c.-50A>C variant in HBB is a 5' untranslated region (UTR) variant located upstream of the translation start codon. This variant is rare in the general population with a frequency below the threshold expected for the associated phenotype(s). This variant has been observed in one or more individuals affected with the associated recessive disease, as either homozygous or compound heterozygous with a second variant (PMID: 27263053). Computational prediction algorithms indicate this variant is likely to affect gene or protein function. Given the available evidence, this variant is classified as Pathogenic.

Fulgent Genetics
Classification: Likely pathogenic for Heinz body anemia; Hereditary persistence of fetal hemoglobin; Dominant beta-thalassemia; Hb SS disease; Malaria, susceptibility to; Beta-thalassemia HBB/LCRB; METHEMOGLOBINEMIA, BETA TYPE; Erythrocytosis, familial, 6. Last evaluated: 2024-05-07. Review status: criteria provided, single submitter. Criteria: ACMG Guidelines, 2015. Collection method: clinical testing. Allele origin: germline.

Labcorp Genetics (formerly Invitae), Labcorp
Classification: Pathogenic. Last evaluated: 2024-03-13. Review status: criteria provided, single submitter. Criteria: Invitae Variant Classification Sherloc (09022015). Collection method: clinical testing. Allele origin: germline.
Comment: This variant occurs in a non-coding region of the HBB gene. It does not change the encoded amino acid sequence of the HBB protein. This variant is present in population databases (rs34305195, gnomAD 0.08%). This variant has been observed in individuals with beta thalassemia (PMID: 19254853, 22335963, 27263053). This variant is also known as the "Cap+1" or "Cap site+1" variant. ClinVar contains an entry for this variant (Variation ID: 36292). Studies have shown that this variant alters HBB gene expression (PMID: 3683554). For these reasons, this variant has been classified as Pathogenic.

ARUP Laboratories, Molecular Genetics and Genomics, ARUP Laboratories
Classification: Pathogenic. Last evaluated: 2023-06-14. Review status: criteria provided, single submitter. Criteria: ARUP Molecular Germline Variant Investigation Process 2024. Collection method: clinical testing. Allele origin: germline.
Comment: The HBB c.-50A>C variant (rs33915217, HbVarID: 770), also known as CAP +1 (A>C), is reported in the literature in individuals affected with beta thalassemia either in the homozygous state or in trans to another pathogenic HBB variant (Garewal 2007, Wong 1987, HbVar database). In the heterozygous state, the c.-50A>C variant is considered “silent” and is associated with only minor hematological abnormalities, if any (Khattak 2012). This variant is reported as pathogenic/likely pathogenic by multiple laboratories in ClinVar (Variation ID: 36292), and is found in the South Asian population with an allele frequency of 0.085% (26/30,504 alleles) in the Genome Aggregation Database. This variant occurs in the 5' untranslated region at a nucleotide that is moderately conserved. Based on available information, the c.-50A>C variant is considered to be pathogenic. References: Link to HbVar database: Garewal G et al. The clinical significance of the spectrum of interactions of CAP+1 (A-->C), a silent beta-globin gene mutation, with other beta-thalassemia mutations and globin gene modifiers in north Indians. Eur J Haematol. 2007 Nov;79(5):417-21. PMID: 17900295. Khattak SA et al. Prevalence of various mutations in beta thalassaemia and its association with haematological parameters. J Pak Med Assoc. 2012 Jan;62(1):40-3. PMID: 22352100. Wong C et al. Characterization of beta-thalassaemia mutations using direct genomic sequencing of amplified single copy DNA. Nature. 1987 Nov 26-Dec 2;330(6146):384-6. PMID: 3683554.

Women's Health and Genetics/Laboratory Corporation of America, LabCorp
Classification: Pathogenic for beta Thalassemia. Last evaluated: 2017-02-08. Review status: criteria provided, single submitter. Criteria: LabCorp Variant Classification Summary - May 2015. Collection method: clinical testing. Allele origin: germline.
Comment: Variant summary: The HBB c.-50A>C (also known as CAP +1 A>C) variant involves the alteration of a non-conserved nucleotide, which lies in the CAP-site from where transcription starts. One in silico tool predicts a damaging outcome for this variant. This variant was found in 12/119792 control chromosomes at a frequency of 0.0001002, which does not exceed the estimated maximal expected allele frequency of a pathogenic HBB variant (0.0111803). The variant was reported in numerous Beta Thalassemia patients individuals in the literature. Taken together, this variant is classified as pathogenic.

Counsyl
Classification: Pathogenic for Beta-thalassemia HBB/LCRB. Last evaluated: 2016-02-10. Review status: no assertion criteria provided. Collection method: clinical testing. Allele origin: unknown. Not counted in ClinVar's aggregate classification.

OMIM
Classification: Pathogenic for BETA-PLUS-THALASSEMIA. Last evaluated: 1987-11-26. Review status: no assertion criteria provided. Collection method: literature only. Allele origin: germline. Not counted in ClinVar's aggregate classification.

GeneReviews
No classification provided. Condition: beta Thalassemia. Review status: no classification provided. Collection method: literature only. Allele origin: germline. Not counted in ClinVar's aggregate classification.

Literature cited by the submitters: PubMed 33491330 (cited by Quest Diagnostics Nichols Institute San Juan Capistrano); PubMed 32722952 (cited by Quest Diagnostics Nichols Institute San Juan Capistrano); PubMed 3683554 (cited by 5 submitters); PubMed 27263053 (cited by 4 submitters); PubMed 22392582 (cited by Quest Diagnostics Nichols Institute San Juan Capistrano); PubMed 23162295 (cited by Quest Diagnostics Nichols Institute San Juan Capistrano); PubMed 22335963 (cited by Quest Diagnostics Nichols Institute San Juan Capistrano and Labcorp Genetics (formerly Invitae), Labcorp); PubMed 22975760 (cited by Quest Diagnostics Nichols Institute San Juan Capistrano); PubMed 34794358 (cited by Quest Diagnostics Nichols Institute San Juan Capistrano); PubMed 19254853 (cited by Labcorp Genetics (formerly Invitae), Labcorp); PubMed 18294253 (cited by Women's Health and Genetics/Laboratory Corporation of America, LabCorp and Counsyl); PubMed 12709369 (cited by Women's Health and Genetics/Laboratory Corporation of America, LabCorp); PubMed 9140720 (cited by Women's Health and Genetics/Laboratory Corporation of America, LabCorp); PubMed 12368169 (cited by Women's Health and Genetics/Laboratory Corporation of America, LabCorp); PubMed 17900295 (cited by Counsyl); PubMed 3462712 (cited by OMIM); PubMed 6839025 (cited by OMIM); NCBI Bookshelf NBK1426 (cited by GeneReviews).